The following is an entry in ClinVar:

NM_001267550.2(TTN):c.104717A>T (p.Asp34906Val)

Genes: TTN-AS1 (TTN antisense RNA 1; plus strand), TTN (titin; minus strand). Cytogenetic location: 2q31.2.
Variant type: single nucleotide variant.
Coding change: c.104717A>T on transcript NM_001267550.2 (MANE Select); coding-DNA position 104717, A replaced by T.
Protein change: p.Asp34906Val; replaces aspartic acid 34906 with valine.
Molecular consequence: missense variant.
Genome position (GRCh38, 1-based): chr2:178,531,898, T>A on the plus strand (A>T on the coding strand, the complement: TTN is on the minus strand). VCF-style: chr2-178531898-T-A. GRCh37 (hg19) VCF-style: chr2-179396625-T-A.
Other names: c.99794A>T, p.Asp33265Val (NM_001256850.1); c.77522A>T, p.Asp25841Val (NM_003319.4); c.97013A>T, p.Asp32338Val (NM_133378.4); c.77897A>T, p.Asp25966Val (NM_133432.3); c.78098A>T, p.Asp26033Val (NM_133437.4); short protein forms D26033V, D25841V, D32338V, D33265V, D34906V, D25966V.
Identifiers: ClinVar variation 2950914 (VCV002950914.3), dbSNP rs753500331, ClinGen allele CA349411080.

ClinVar aggregate classification (germline): Uncertain significance (1 of 4 stars; one submission).

Conditions:
Dilated cardiomyopathy 1G (CMD1G). Identifiers: Orphanet 154, MedGen C1858763, MONDO:0011400, OMIM 604145.
Autosomal recessive limb-girdle muscular dystrophy type 2J (LGMDR10). Also called: Limb-girdle muscular dystrophy, type 2J; MUSCULAR DYSTROPHY, LIMB-GIRDLE, AUTOSOMAL RECESSIVE 10. Identifiers: Orphanet 140922, MedGen C1837342, MONDO:0012127, OMIM 608807.

Submission:

Labcorp Genetics (formerly Invitae), Labcorp
Classification: Uncertain significance for Dilated cardiomyopathy 1G; Autosomal recessive limb-girdle muscular dystrophy type 2J. Last evaluated: 2023-08-28. Review status: criteria provided, single submitter. Criteria: Invitae Variant Classification Sherloc (09022015). Collection method: clinical testing. Allele origin: germline.
Comment: Experimental studies and prediction algorithms are not available or were not evaluated, and the functional significance of this variant is currently unknown. This variant has not been reported in the literature in individuals affected with TTN-related conditions. This variant is not present in population databases (gnomAD no frequency). This sequence change replaces aspartic acid, which is acidic and polar, with valine, which is neutral and non-polar, at codon 34906 of the TTN protein (p.Asp34906Val). In summary, the available evidence is currently insufficient to determine the role of this variant in disease. Therefore, it has been classified as a Variant of Uncertain Significance.